The following is an entry in ClinVar:

ClinVar aggregate classification (germline): Likely benign (1 of 4 stars; one submission).

Allele frequency attached by ClinVar (database versions not stated): TOPMed 0.00002.
gnomAD v4.1: 27 of 1,614,026 alleles (0.0017%); highest among the groups gnomAD compares: East Asian, 0.0022%; no homozygotes.

Submission:

CeGaT Center for Human Genetics Tuebingen
Classification: Likely benign. Last evaluated: 2022-09-01. Review status: criteria provided, single submitter. Criteria: CeGaT Center For Human Genetics Tuebingen Variant Classification Criteria Version 2. Collection method: clinical testing. Allele origin: germline. Affected: yes. Observed: 1 variant allele.
Comment: BCAM: BP4, BP7

NM_005581.5(BCAM):c.426C>T (p.Asn142=)

Gene: BCAM (basal cell adhesion molecule (Lutheran blood group); plus strand). Cytogenetic location: 19q13.32.
Variant type: single nucleotide variant.
Coding change: c.426C>T on transcript NM_005581.5 (MANE Select); coding-DNA position 426, C replaced by T.
Protein change: p.Asn142=; no amino-acid change (asparagine 142 retained).
Molecular consequence: synonymous variant.
Genome position (GRCh38, 1-based): chr19:44,812,384, C>T. VCF-style: chr19-44812384-C-T. GRCh37 (hg19) VCF-style: chr19-45315641-C-T.
Other names: c.426C>T, p.Asn142= (NM_001013257.2).
Identifiers: ClinVar variation 2650085 (VCV002650085.24), dbSNP rs753363632, ClinGen allele CA9504346.